The following is an entry in ClinVar:

ClinVar aggregate classification (germline): Uncertain significance (1 of 4 stars; one submission).

Conditions:
OTC-related disorder. Also called: OTC-related condition.

gnomAD v4.1: 1 of 641,830 alleles (0.00016%); highest among the groups gnomAD compares: Middle Eastern, 0.034%; no homozygotes.

Submission:

PreventionGenetics, part of Exact Sciences
Classification: Uncertain significance for OTC-related condition. Last evaluated: 2026-02-12. Review status: criteria provided, single submitter. Criteria: ACMG Guidelines, 2015. Collection method: clinical testing. Allele origin: germline.
Comment: The OTC c.540+105A>G variant is predicted to interfere with splicing. This variant is predicted to alter splicing based on available splicing prediction programs (SpliceAI, Jaganathan et al. 2019. PubMed ID: 30661751; Alamut Visual v1.6.1). However, the use of computer prediction programs is not equivalent to functional evidence. To our knowledge, this variant has not been reported in the literature or in a large population database (gnomAD), indicating this variant is rare. Other variants deep within this intron have been reported in patients with ornithine transcarbamylase (OTC) deficiency (see for example OTC c.541-277A>G in patient P6 in Soriano-Sexto et al. 2022. PubMed ID: 36361642 and OTC c.540+265G>A in Ogino et al. 2007. PubMed ID: 18204299). Although we suspect this variant may be pathogenic, at this time, the clinical significance of this variant is uncertain due to the absence of conclusive functional and genetic evidence.

NM_000531.6(OTC):c.540+105A>G

Gene: OTC (ornithine transcarbamylase; plus strand). Cytogenetic location: Xp11.4.
Variant type: single nucleotide variant.
Coding change: c.540+105A>G on transcript NM_000531.6 (MANE Select); 105 bases into the intron after coding-DNA position 540, A replaced by G.
Molecular consequence: intron variant.
Genome position (GRCh38, 1-based): chrX:38,401,533, A>G. VCF-style: chrX-38401533-A-G. GRCh37 (hg19) VCF-style: chrX-38260786-A-G.
Other names: c.540+105A>G (NM_001407092.1).
Identifiers: ClinVar variation 4996365 (VCV004996365.1).
Genomic context (GRCh38, chrX:38,401,533, plus strand): 5'-TCCTGACTTGCTTTAAGTGAAACAGTTTACTTAAATCATGGTATTGGTGTTTTATTTTCA[A>G]ATACCAGCTTGACAAAGAATTACAGCTTGTGTGTGCATTTTCTGGGGAAAACAGGACATT-3'